The following is an entry in ClinVar:

ClinVar aggregate classification (germline): Uncertain significance. Review status: criteria provided, multiple submitters, no conflicts (2 of 4 stars). 2 submissions from 2 submitters: Uncertain significance (2). Last evaluated 2024-12-02.

Conditions:
Kostmann syndrome (SCN3). Also called: Autosomal recessive severe congenital neutropenia type 3; KOSTMANN DISEASE. Identifiers: Orphanet 99749, MedGen C5235141, MONDO:0012548, OMIM 610738.
Inborn genetic diseases. Identifiers: MedGen C0950123, MeSH D030342.

Submissions (2):

Ambry Genetics
Classification: Uncertain significance for Inborn genetic diseases. Last evaluated: 2024-12-02. Review status: criteria provided, single submitter. Criteria: Ambry Variant Classification Scheme 2023. Collection method: clinical testing. Allele origin: germline.
Comment: The p.S53R variant (also known as c.159T>A), located in coding exon 2 of the HAX1 gene, results from a T to A substitution at nucleotide position 159. The serine at codon 53 is replaced by arginine, an amino acid with dissimilar properties. This amino acid position is conserved. In addition, this alteration is predicted to be tolerated by in silico analysis. Based on the available evidence, the clinical significance of this variant remains unclear.

Labcorp Genetics (formerly Invitae), Labcorp
Classification: Uncertain significance for Kostmann syndrome. Last evaluated: 2022-05-31. Review status: criteria provided, single submitter. Criteria: Invitae Variant Classification Sherloc (09022015). Collection method: clinical testing. Allele origin: germline.
Comment: This sequence change replaces serine, which is neutral and polar, with arginine, which is basic and polar, at codon 53 of the HAX1 protein (p.Ser53Arg). This variant is not present in population databases (gnomAD no frequency). This variant has not been reported in the literature in individuals affected with HAX1-related conditions. Algorithms developed to predict the effect of missense changes on protein structure and function (SIFT, PolyPhen-2, Align-GVGD) all suggest that this variant is likely to be tolerated. In summary, the available evidence is currently insufficient to determine the role of this variant in disease. Therefore, it has been classified as a Variant of Uncertain Significance.

NM_006118.4(HAX1):c.159T>A (p.Ser53Arg)

Gene: HAX1 (HCLS1 associated protein X-1; plus strand). Cytogenetic location: 1q21.3.
Variant type: single nucleotide variant.
Coding change: c.159T>A on transcript NM_006118.4 (MANE Select); coding-DNA position 159, T replaced by A.
Protein change: p.Ser53Arg; replaces serine 53 with arginine.
Molecular consequence: missense variant. On other transcripts: intron variant (1).
Genome position (GRCh38, 1-based): chr1:154,273,441, T>A. VCF-style: chr1-154273441-T-A. GRCh37 (hg19) VCF-style: chr1-154245917-T-A.
Other names: c.54-39T>A (NM_001018837.2); short protein forms S53R.
Identifiers: ClinVar variation 2001374 (VCV002001374.2), dbSNP rs13796, ClinGen allele CA342591414.